The following is an entry in ClinVar:

ClinVar aggregate classification (germline): Uncertain significance (1 of 4 stars; one submission).

Allele frequency attached by ClinVar (database versions not stated): TOPMed 0.00008; gnomAD 0.00024; 1000 Genomes Project 0.00080; 1000 Genomes Project 30x 0.00094.
gnomAD v4.1: 71 of 1,613,292 alleles (0.0044%); highest among the groups gnomAD compares: Admixed American, 0.092%; 1 homozygote.

Submission:

Labcorp Genetics (formerly Invitae), Labcorp
Classification: Uncertain significance. Last evaluated: 2022-06-08. Review status: criteria provided, single submitter. Criteria: Invitae Variant Classification Sherloc (09022015). Collection method: clinical testing. Allele origin: germline.
Comment: This sequence change replaces arginine, which is basic and polar, with glycine, which is neutral and non-polar, at codon 221 of the DLL3 protein (p.Arg221Gly). This variant is present in population databases (rs200275281, gnomAD 0.02%). This variant has not been reported in the literature in individuals affected with DLL3-related conditions. ClinVar contains an entry for this variant (Variation ID: 1021745). Algorithms developed to predict the effect of missense changes on protein structure and function are either unavailable or do not agree on the potential impact of this missense change (SIFT: "Deleterious"; PolyPhen-2: "Possibly Damaging"; Align-GVGD: "Class C0"). In summary, the available evidence is currently insufficient to determine the role of this variant in disease. Therefore, it has been classified as a Variant of Uncertain Significance.

NM_203486.3(DLL3):c.661C>G (p.Arg221Gly)

Gene: DLL3 (delta like canonical Notch ligand 3; plus strand). Cytogenetic location: 19q13.2.
Variant type: single nucleotide variant.
Coding change: c.661C>G on transcript NM_203486.3 (MANE Select); coding-DNA position 661, C replaced by G.
Protein change: p.Arg221Gly; replaces arginine 221 with glycine.
Molecular consequence: missense variant.
Genome position (GRCh38, 1-based): chr19:39,504,079, C>G. VCF-style: chr19-39504079-C-G. GRCh37 (hg19) VCF-style: chr19-39994719-C-G.
Other names: c.661C>G, p.Arg221Gly (NM_016941.4); short protein forms R221G.
Identifiers: ClinVar variation 1021745 (VCV001021745.6), dbSNP rs200275281, ClinGen allele CA9432245.